The following is an entry in ClinVar:

NM_021072.4(HCN1):c.149C>T (p.Ala50Val)

Gene: HCN1 (hyperpolarization activated cyclic nucleotide gated potassium channel 1; minus strand). Cytogenetic location: 5p12.
Variant type: single nucleotide variant.
Coding change: c.149C>T on transcript NM_021072.4 (MANE Select); coding-DNA position 149, C replaced by T.
Protein change: p.Ala50Val; replaces alanine 50 with valine.
Molecular consequence: missense variant.
Genome position (GRCh38, 1-based): chr5:45,695,945, G>A on the plus strand (C>T on the coding strand, the complement: HCN1 is on the minus strand). VCF-style: chr5-45695945-G-A. GRCh37 (hg19) VCF-style: chr5-45696047-G-A.
Other names: short protein forms A50V.
Identifiers: ClinVar variation 1953358 (VCV001953358.5), dbSNP rs2478644516, ClinGen allele CA359706650.

ClinVar aggregate classification (germline): Uncertain significance (1 of 4 stars; one submission).

Conditions:
Early-infantile DEE. Also called: Ohtahara syndrome; Early infantile epileptic encephalopathy with suppression bursts; Early infantile epileptic encephalopathy. Identifiers: Orphanet 1934, MedGen C0393706, MONDO:0800491.

Allele frequency attached by ClinVar (database versions not stated): gnomAD exomes below 0.00001.

Submission:

Labcorp Genetics (formerly Invitae), Labcorp
Classification: Uncertain significance for Early-infantile DEE. Last evaluated: 2022-09-25. Review status: criteria provided, single submitter. Criteria: Invitae Variant Classification Sherloc (09022015). Collection method: clinical testing. Allele origin: germline.
Comment: This sequence change replaces alanine, which is neutral and non-polar, with valine, which is neutral and non-polar, at codon 50 of the HCN1 protein (p.Ala50Val). This variant is not present in population databases (gnomAD no frequency). This variant has not been reported in the literature in individuals affected with HCN1-related conditions. Advanced modeling of protein sequence and biophysical properties (such as structural, functional, and spatial information, amino acid conservation, physicochemical variation, residue mobility, and thermodynamic stability) performed at Invitae indicates that this missense variant is not expected to disrupt HCN1 protein function. In summary, the available evidence is currently insufficient to determine the role of this variant in disease. Therefore, it has been classified as a Variant of Uncertain Significance.